The following is an entry in ClinVar:

ClinVar aggregate classification (germline): Conflicting classifications of pathogenicity. Review status: criteria provided, conflicting classifications (1 of 4 stars). 3 submissions from 3 submitters: Uncertain significance (1); Likely benign (1). 1 of the submissions does not count toward it. Last evaluated 2025-12-20.

Conditions:
PNPLA2-related disorder. Also called: PNPLA2-related condition.
Neutral lipid storage myopathy (NLSDM). Also called: NEUTRAL LIPID STORAGE DISEASE WITHOUT ICHTHYOSIS. Identifiers: Orphanet 98908, MedGen C1853136, MONDO:0012545, OMIM 610717.

Allele frequency attached by ClinVar (database versions not stated): gnomAD exomes 0.00002 and 0.00012; gnomAD 0.00005 and 0.00007; TOPMed 0.00006; ExAC 0.00008; 1000 Genomes Project 30x 0.00047; 1000 Genomes Project 0.00060.
gnomAD v4.1: 43 of 1,614,078 alleles (0.0027%); highest among the groups gnomAD compares: East Asian, 0.089%; no homozygotes.

Submissions (3):

Labcorp Genetics (formerly Invitae), Labcorp
Classification: Likely benign for Neutral lipid storage myopathy. Last evaluated: 2025-12-20. Review status: criteria provided, single submitter. Criteria: Invitae Variant Classification Sherloc (09022015). Collection method: clinical testing. Allele origin: germline.

Illumina Laboratory Services, Illumina
Classification: Uncertain significance for Neutral lipid storage myopathy. Last evaluated: 2018-01-13. Review status: criteria provided, single submitter. Criteria: ICSL Variant Classification Criteria 13 December 2019. Collection method: clinical testing. Allele origin: germline.

PreventionGenetics, part of Exact Sciences
Classification: Likely benign for PNPLA2-related condition. Last evaluated: 2019-08-09. Review status: no assertion criteria provided. Collection method: clinical testing. Allele origin: germline. Not counted in ClinVar's aggregate classification.
Comment: This variant is classified as likely benign based on ACMG/AMP sequence variant interpretation guidelines (Richards et al. 2015 PMID: 25741868, with internal and published modifications).

NM_020376.4(PNPLA2):c.591C>T (p.Asp197=)

Gene: PNPLA2 (patatin like domain 2, triacylglycerol lipase; plus strand). Cytogenetic location: 11p15.5.
Variant type: single nucleotide variant.
Coding change: c.591C>T on transcript NM_020376.4 (MANE Select); coding-DNA position 591, C replaced by T.
Protein change: p.Asp197=; no amino-acid change (aspartic acid 197 retained).
Molecular consequence: synonymous variant.
Genome position (GRCh38, 1-based): chr11:822,501, C>T. VCF-style: chr11-822501-C-T. GRCh37 (hg19) VCF-style: chr11-822501-C-T.
Identifiers: ClinVar variation 306297 (VCV000306297.18), dbSNP rs200897893, ClinGen allele CA5791057.
Genomic context (GRCh38, chr11:822,501, plus strand): 5'-GCTTAAGAACACCATCACAGTGTCCCCCTTCTCGGGCGAGAGTGACATCTGTCCGCAGGA[C>T]AGCTCCACCAACATCCACGAGCTGCGGGTCACCAACACCAGCATCCAGTTCAACCTGCGC-3'
Protein context (NP_065109.1, residues 187-207): FSGESDICPQ[Asp197=]SSTNIHELRV